The following is an entry in ClinVar:

NM_014049.5(ACAD9):c.243G>A (p.Glu81=)

Gene: ACAD9 (acyl-CoA dehydrogenase family member 9; plus strand). Cytogenetic location: 3q21.3.
Variant type: single nucleotide variant.
Coding change: c.243G>A on transcript NM_014049.5 (MANE Select); coding-DNA position 243, G replaced by A.
Protein change: p.Glu81=; no amino-acid change (glutamic acid 81 retained).
Molecular consequence: synonymous variant. On other transcripts: non-coding transcript variant (1), intron variant (1).
Genome position (GRCh38, 1-based): chr3:128,884,745, G>A. VCF-style: chr3-128884745-G-A. GRCh37 (hg19) VCF-style: chr3-128603588-G-A.
Other names: c.-126+4904G>A (NM_001410805.1).
Identifiers: ClinVar variation 2179435 (VCV002179435.1), dbSNP rs772314192, ClinGen allele CA2601079.

ClinVar aggregate classification (germline): Uncertain significance (1 of 4 stars; one submission).

Allele frequency attached by ClinVar (database versions not stated): gnomAD exomes 0.00001; ExAC 0.00002.
gnomAD v4.1: 10 of 1,609,668 alleles (0.00062%); highest among the groups gnomAD compares: Non-Finnish European, 0.00077%; no homozygotes.

Submission:

Labcorp Genetics (formerly Invitae), Labcorp
Classification: Uncertain significance. Last evaluated: 2022-05-15. Review status: criteria provided, single submitter. Criteria: Invitae Variant Classification Sherloc (09022015). Collection method: clinical testing. Allele origin: germline.
Comment: This sequence change affects codon 81 of the ACAD9 mRNA. It is a 'silent' change, meaning that it does not change the encoded amino acid sequence of the ACAD9 protein. It affects a nucleotide within the consensus splice site. This variant is present in population databases (rs772314192, gnomAD 0.004%). This variant has not been reported in the literature in individuals affected with ACAD9-related conditions. Algorithms developed to predict the effect of sequence changes on RNA splicing suggest that this variant is not likely to affect RNA splicing. In summary, the available evidence is currently insufficient to determine the role of this variant in disease. Therefore, it has been classified as a Variant of Uncertain Significance.